The following is an entry in ClinVar:

NM_032638.5(GATA2):c.847C>G (p.Arg283Gly)

Gene: GATA2 (GATA binding protein 2; minus strand). Cytogenetic location: 3q21.3.
Variant type: single nucleotide variant.
Coding change: c.847C>G on transcript NM_032638.5 (MANE Select); coding-DNA position 847, C replaced by G.
Protein change: p.Arg283Gly; replaces arginine 283 with glycine.
Molecular consequence: missense variant.
Genome position (GRCh38, 1-based): chr3:128,485,751, G>C on the plus strand (C>G on the coding strand, the complement: GATA2 is on the minus strand). VCF-style: chr3-128485751-G-C. GRCh37 (hg19) VCF-style: chr3-128204594-G-C.
Other names: c.847C>G, p.Arg283Gly (NM_001145661.2, NM_001145662.1); short protein forms R283G.
Identifiers: ClinVar variation 4028487 (VCV004028487.1).

ClinVar aggregate classification (germline): Uncertain significance (1 of 4 stars; one submission).

Conditions:
Inborn genetic diseases. Identifiers: MedGen C0950123, MeSH D030342.

Submission:

Ambry Genetics
Classification: Uncertain significance for Inborn genetic diseases. Last evaluated: 2025-04-11. Review status: criteria provided, single submitter. Criteria: Ambry Variant Classification Scheme 2023. Collection method: clinical testing. Allele origin: germline.
Comment: The p.R283G variant (also known as c.847C>G), located in coding exon 2 of the GATA2 gene, results from a C to G substitution at nucleotide position 847. The arginine at codon 283 is replaced by glycine, an amino acid with dissimilar properties. This amino acid position is conserved. In addition, the in silico prediction for this alteration is inconclusive. Based on the available evidence, the clinical significance of this variant remains unclear.